The following is an entry in ClinVar:

ClinVar aggregate classification (germline): Uncertain significance (1 of 4 stars; one submission).

Conditions:
Hyperekplexia 2 (HKPX2). Identifiers: Orphanet 3197, MedGen C3553291, MONDO:0013828, OMIM 614619.

Allele frequency attached by ClinVar (database versions not stated): TOPMed below 0.00001; gnomAD 0.00001; gnomAD exomes 0.00001; ExAC 0.00002; 1000 Genomes Project 0.00020; 1000 Genomes Project 30x 0.00031.
gnomAD v4.1: 19 of 1,487,328 alleles (0.0013%); highest among the groups gnomAD compares: South Asian, 0.0045%; no homozygotes.

Submission:

Labcorp Genetics (formerly Invitae), Labcorp
Classification: Uncertain significance for Hyperekplexia 2. Last evaluated: 2022-03-26. Review status: criteria provided, single submitter. Criteria: Invitae Variant Classification Sherloc (09022015). Collection method: clinical testing. Allele origin: germline.
Comment: This sequence change replaces lysine, which is basic and polar, with arginine, which is basic and polar, at codon 234 of the GLRB protein (p.Lys234Arg). This variant is present in population databases (rs199963290, gnomAD 0.005%). This variant has not been reported in the literature in individuals affected with GLRB-related conditions. Advanced modeling of protein sequence and biophysical properties (such as structural, functional, and spatial information, amino acid conservation, physicochemical variation, residue mobility, and thermodynamic stability) performed at Invitae indicates that this missense variant is not expected to disrupt GLRB protein function. In summary, the available evidence is currently insufficient to determine the role of this variant in disease. Therefore, it has been classified as a Variant of Uncertain Significance.

NM_000824.5(GLRB):c.701A>G (p.Lys234Arg)

Gene: GLRB (glycine receptor beta; plus strand). Cytogenetic location: 4q32.1.
Variant type: single nucleotide variant.
Coding change: c.701A>G on transcript NM_000824.5 (MANE Select); coding-DNA position 701, A replaced by G.
Protein change: p.Lys234Arg; replaces lysine 234 with arginine.
Molecular consequence: missense variant.
Genome position (GRCh38, 1-based): chr4:157,138,899, A>G. VCF-style: chr4-157138899-A-G. GRCh37 (hg19) VCF-style: chr4-158060051-A-G.
Other names: c.701A>G, p.Lys234Arg (NM_001166060.2, NM_001166061.2); short protein forms K234R.
Identifiers: ClinVar variation 2161672 (VCV002161672.1), dbSNP rs199963290, ClinGen allele CA3119843.